The following is an entry in ClinVar:

NM_004370.6(COL12A1):c.2833G>A (p.Asp945Asn)

Gene: COL12A1 (collagen type XII alpha 1 chain; minus strand). Cytogenetic location: 6q13.
Variant type: single nucleotide variant.
Coding change: c.2833G>A on transcript NM_004370.6 (MANE Select); coding-DNA position 2833, G replaced by A.
Protein change: p.Asp945Asn; replaces aspartic acid 945 with asparagine.
Molecular consequence: missense variant. On other transcripts: intron variant (2).
Genome position (GRCh38, 1-based): chr6:75,165,657, C>T on the plus strand (G>A on the coding strand, the complement: COL12A1 is on the minus strand). VCF-style: chr6-75165657-C-T. GRCh37 (hg19) VCF-style: chr6-75875373-C-T.
Other names: c.2833G>A, p.Asp945Asn (NM_001424113.1, NM_001424114.1); c.2560G>A, p.Asp854Asn (NM_001424115.1); c.74-13175G>A (NM_001424116.1, NM_080645.3); short protein forms D945N, D854N.
Identifiers: ClinVar variation 2924696 (VCV002924696.3), dbSNP rs2533470350, ClinGen allele CA364758204.

ClinVar aggregate classification (germline): Uncertain significance (1 of 4 stars; one submission).

Conditions:
Ullrich congenital muscular dystrophy 2 (UCMD2). Identifiers: Orphanet 75840, MedGen C4225314, MONDO:0014654, OMIM 616470.
Bethlem myopathy 2 (BTHLM2). Identifiers: Orphanet 536516, Orphanet 610, MedGen C4225313, MONDO:0034022, OMIM 616471.

gnomAD v4.1: 11 of 1,614,020 alleles (0.00068%); highest among the groups gnomAD compares: South Asian, 0.0011%; no homozygotes.

Submission:

Labcorp Genetics (formerly Invitae), Labcorp
Classification: Uncertain significance for Bethlem myopathy 2; Ullrich congenital muscular dystrophy 2. Last evaluated: 2026-01-27. Review status: criteria provided, single submitter. Criteria: Invitae Variant Classification Sherloc (09022015). Collection method: clinical testing. Allele origin: germline.
Comment: This sequence change replaces aspartic acid, which is acidic and polar, with asparagine, which is neutral and polar, at codon 945 of the COL12A1 protein (p.Asp945Asn). This variant is not present in population databases (gnomAD no frequency). This variant has not been reported in the literature in individuals affected with COL12A1-related conditions. ClinVar contains an entry for this variant (Variation ID: 2924696). Invitae Evidence Modeling of protein sequence and biophysical properties (such as structural, functional, and spatial information, amino acid conservation, physicochemical variation, residue mobility, and thermodynamic stability) has been performed for this missense variant. However, the output from this modeling did not meet the statistical confidence thresholds required to predict the impact of this variant on COL12A1 protein function. In summary, the available evidence is currently insufficient to determine the role of this variant in disease. Therefore, it has been classified as a Variant of Uncertain Significance.